The following is an entry in ClinVar:

ClinVar aggregate classification (germline): Uncertain significance. Review status: criteria provided, multiple submitters, no conflicts (2 of 4 stars). 2 submissions from 2 submitters: Uncertain significance (2). Last evaluated 2022-12-06.

Allele frequency attached by ClinVar (database versions not stated): gnomAD exomes below 0.00001; TOPMed below 0.00001; gnomAD 0.00002 and 0.00001; 1000 Genomes Project 0.00020; 1000 Genomes Project 30x 0.00031; ExAC 0.00001.
gnomAD v4.1: 5 of 1,613,932 alleles (0.00031%); highest among the groups gnomAD compares: Admixed American, 0.0083%; no homozygotes.

Submissions (2):

Labcorp Genetics (formerly Invitae), Labcorp
Classification: Uncertain significance. Last evaluated: 2022-12-06. Review status: criteria provided, single submitter. Criteria: Invitae Variant Classification Sherloc (09022015). Collection method: clinical testing. Allele origin: germline.
Comment: In summary, the available evidence is currently insufficient to determine the role of this variant in disease. Therefore, it has been classified as a Variant of Uncertain Significance. Algorithms developed to predict the effect of missense changes on protein structure and function (SIFT, PolyPhen-2, Align-GVGD) all suggest that this variant is likely to be tolerated. ClinVar contains an entry for this variant (Variation ID: 1511674). This variant has not been reported in the literature in individuals affected with ATPAF2-related conditions. This variant is not present in population databases (gnomAD no frequency). This sequence change replaces histidine, which is basic and polar, with arginine, which is basic and polar, at codon 274 of the ATPAF2 protein (p.His274Arg).

Ambry Genetics
Classification: Uncertain significance. Last evaluated: 2022-11-01. Review status: criteria provided, single submitter. Criteria: Ambry Variant Classification Scheme 2023. Collection method: clinical testing. Allele origin: germline.

NM_145691.4(ATPAF2):c.821A>G (p.His274Arg)

Gene: ATPAF2 (ATP synthase mitochondrial F1 complex assembly factor 2; minus strand). Cytogenetic location: 17p11.2.
Variant type: single nucleotide variant.
Coding change: c.821A>G on transcript NM_145691.4 (MANE Select); coding-DNA position 821, A replaced by G.
Protein change: p.His274Arg; replaces histidine 274 with arginine.
Molecular consequence: missense variant.
Genome position (GRCh38, 1-based): chr17:18,018,598, T>C on the plus strand (A>G on the coding strand, the complement: ATPAF2 is on the minus strand). VCF-style: chr17-18018598-T-C. GRCh37 (hg19) VCF-style: chr17-17921912-T-C.
Other names: c.821A>G (NM_145691.3); short protein forms H274R.
Identifiers: ClinVar variation 1511674 (VCV001511674.7), dbSNP rs140311716, ClinGen allele CA8421737.